The following is an entry in ClinVar:

ClinVar aggregate classification (germline): Uncertain significance (1 of 4 stars; one submission).

Conditions:
Catecholaminergic polymorphic ventricular tachycardia (CVPT). Also called: Catecholamine-induced polymorphic ventricular tachycardia. Identifiers: Orphanet 3286, MedGen C5574922, MONDO:0017990.

gnomAD v4.1: 2 of 1,607,672 alleles (0.00012%); highest among the groups gnomAD compares: South Asian, 0.0022%; no homozygotes.

Submission:

All of Us Research Program, National Institutes of Health
Classification: Uncertain significance for Catecholaminergic polymorphic ventricular tachycardia. Last evaluated: 2024-07-10. Review status: criteria provided, single submitter. Criteria: ACMG Guidelines, 2015. Collection method: clinical testing. Allele origin: germline. Inheritance: Autosomal dominant inheritance. Observed: 1 variant allele, 1 heterozygote.
Comment: This missense variant replaces methionine with isoleucine at codon 2406 of the RYR2 protein. Computational prediction is inconclusive regarding the impact of this variant on protein structure and function (internally defined REVEL score threshold 0.5 < inconclusive < 0.7, PMID: 27666373). To our knowledge, functional studies have not been reported for this variant. This variant has not been reported in individuals affected with RYR2-related disorders in the literature. This variant has been identified in 1/243664 chromosomes in the general population by the Genome Aggregation Database (gnomAD). The available evidence is insufficient to determine the role of this variant in disease conclusively. Therefore, this variant is classified as a Variant of Uncertain Significance.

This study involves interpretation of variants in research participants for the purpose of population health screening. Participant phenotype was not available at the time of variant classification. Additional details can be found in publication PMID: 35346344, PMCID: PMC8962531

NM_001035.3(RYR2):c.7218G>T (p.Met2406Ile)

Gene: RYR2 (ryanodine receptor 2; plus strand). Cytogenetic location: 1q43.
Variant type: single nucleotide variant.
Coding change: c.7218G>T on transcript NM_001035.3 (MANE Select); coding-DNA position 7218, G replaced by T.
Protein change: p.Met2406Ile; replaces methionine 2406 with isoleucine.
Molecular consequence: missense variant.
Genome position (GRCh38, 1-based): chr1:237,640,999, G>T. VCF-style: chr1-237640999-G-T. GRCh37 (hg19) VCF-style: chr1-237804299-G-T.
Other names: short protein forms M2406I.
Identifiers: ClinVar variation 3385776 (VCV003385776.1).
Genomic context (GRCh38, chr1:237,640,999, plus strand): 5'-CGCGATCATGACCTTCTATTCAGCTTTGATTGACCTCTTGGGACGCTGTGCTCCTGAGAT[G>T]CATGTGAGTTTCTGGGAGTTCAGGAGCAGCAATCCTGATTTCTCTGTGTTAAGACATCTA-3'
Protein context (NP_001026.2, residues 2396-2416): IDLLGRCAPE[Met2406Ile]HLIHAGKGEA